The following is an entry in ClinVar:

ClinVar aggregate classification (germline): Uncertain significance (1 of 4 stars; one submission).

Conditions:
Ellis-van Creveld syndrome (EVC). Also called: EVC-Related Ellis-van Creveld Syndrome; EVC2-Related Ellis-van Creveld Syndrome; MESOECTODERMAL DYSPLASIA; Chondroectodermal dysplasia. Identifiers: Orphanet 289, MedGen C0013903, MONDO:0009162, OMIM 225500.
Curry-Hall syndrome (WAD). Also called: WEYERS ACRODENTAL DYSOSTOSIS. Identifiers: Orphanet 952, MedGen C0457013, MONDO:0008673, OMIM 193530.

Submission:

Labcorp Genetics (formerly Invitae), Labcorp
Classification: Uncertain significance for Curry-Hall syndrome; Ellis-van Creveld syndrome. Last evaluated: 2026-01-12. Review status: criteria provided, single submitter. Criteria: Invitae Variant Classification Sherloc (09022015). Collection method: clinical testing. Allele origin: germline.
Comment: This sequence change replaces threonine, which is neutral and polar, with serine, which is neutral and polar, at codon 543 of the EVC2 protein (p.Thr543Ser). This variant is not present in population databases (gnomAD no frequency). This variant has not been reported in the literature in individuals affected with EVC2-related conditions. An algorithm developed to predict the effect of missense changes on protein structure and function outputs the following: PolyPhen-2: "Benign". The serine amino acid residue is found in multiple mammalian species, which suggests that this missense change does not adversely affect protein function. In summary, the available evidence is currently insufficient to determine the role of this variant in disease. Therefore, it has been classified as a Variant of Uncertain Significance.

NM_147127.5(EVC2):c.1628C>G (p.Thr543Ser)

Gene: EVC2 (EvC ciliary complex subunit 2; minus strand). Cytogenetic location: 4p16.2.
Variant type: single nucleotide variant.
Coding change: c.1628C>G on transcript NM_147127.5 (MANE Select); coding-DNA position 1628, C replaced by G.
Protein change: p.Thr543Ser; replaces threonine 543 with serine.
Molecular consequence: missense variant.
Genome position (GRCh38, 1-based): chr4:5,631,875, G>C on the plus strand (C>G on the coding strand, the complement: EVC2 is on the minus strand). VCF-style: chr4-5631875-G-C. GRCh37 (hg19) VCF-style: chr4-5633602-G-C.
Other names: c.1388C>G, p.Thr463Ser (NM_001166136.2); short protein forms T543S, T463S.
Identifiers: ClinVar variation 4788023 (VCV004788023.1).